The following is an entry in ClinVar:

NM_020366.4(RPGRIP1):c.29G>A (p.Gly10Glu)

Gene: RPGRIP1 (RPGR interacting protein 1; plus strand). Cytogenetic location: 14q11.2.
Variant type: single nucleotide variant.
Coding change: c.29G>A on transcript NM_020366.4 (MANE Select); coding-DNA position 29, G replaced by A.
Protein change: p.Gly10Glu; replaces glycine 10 with glutamic acid.
Molecular consequence: missense variant.
Genome position (GRCh38, 1-based): chr14:21,288,005, G>A. VCF-style: chr14-21288005-G-A. GRCh37 (hg19) VCF-style: chr14-21756164-G-A.
Other names: c.29G>A (NM_020366.3); short protein forms G10E.
Identifiers: ClinVar variation 1414241 (VCV001414241.7), dbSNP rs756665749, ClinGen allele CA7088529.

ClinVar aggregate classification (germline): Conflicting classifications of pathogenicity. Review status: criteria provided, conflicting classifications (1 of 4 stars). 2 submissions from 2 submitters: Uncertain significance (1); Likely benign (1). Last evaluated 2022-12-28.

Conditions:
Cone-rod dystrophy 13 (CORD13). Identifiers: Orphanet 1872, MedGen C2750720, MONDO:0011987, OMIM 608194.
Leber congenital amaurosis 6 (LCA6). Identifiers: Orphanet 65, MedGen C1854260, MONDO:0013446, OMIM 613826.
Inborn genetic diseases. Identifiers: MedGen C0950123, MeSH D030342.

Allele frequency attached by ClinVar (database versions not stated): gnomAD exomes below 0.00001 and 0.00001; TOPMed below 0.00001; ExAC 0.00001.
gnomAD v4.1: 7 of 1,613,626 alleles (0.00043%); highest among the groups gnomAD compares: Middle Eastern, 0.017%; no homozygotes.

Submissions (2):

Ambry Genetics
Classification: Likely benign for Inborn genetic diseases. Last evaluated: 2022-12-28. Review status: criteria provided, single submitter. Criteria: Ambry Variant Classification Scheme 2023. Collection method: clinical testing. Allele origin: germline.

Labcorp Genetics (formerly Invitae), Labcorp
Classification: Uncertain significance for Leber congenital amaurosis 6; Cone-rod dystrophy 13. Last evaluated: 2022-06-27. Review status: criteria provided, single submitter. Criteria: Invitae Variant Classification Sherloc (09022015). Collection method: clinical testing. Allele origin: germline.
Comment: In summary, the available evidence is currently insufficient to determine the role of this variant in disease. Therefore, it has been classified as a Variant of Uncertain Significance. Algorithms developed to predict the effect of missense changes on protein structure and function output the following: SIFT: "Tolerated"; PolyPhen-2: "Benign"; Align-GVGD: "Class C0". The glutamic acid amino acid residue is found in multiple mammalian species, which suggests that this missense change does not adversely affect protein function. This variant has not been reported in the literature in individuals affected with RPGRIP1-related conditions. This variant is present in population databases (rs756665749, gnomAD 0.003%). This sequence change replaces glycine, which is neutral and non-polar, with glutamic acid, which is acidic and polar, at codon 10 of the RPGRIP1 protein (p.Gly10Glu).